The following is an entry in ClinVar:

NM_001163809.2(WDR81):c.4614C>T (p.Thr1538=)

Gene: WDR81 (WD repeat domain 81; plus strand). Cytogenetic location: 17p13.3.
Variant type: single nucleotide variant.
Coding change: c.4614C>T on transcript NM_001163809.2 (MANE Select); coding-DNA position 4614, C replaced by T.
Protein change: p.Thr1538=; no amino-acid change (threonine 1538 retained).
Molecular consequence: synonymous variant.
Genome position (GRCh38, 1-based): chr17:1,733,651, C>T. VCF-style: chr17-1733651-C-T. GRCh37 (hg19) VCF-style: chr17-1636945-C-T.
Other names: p.Thr1538=; c.1005C>T, p.Thr335= (NM_001163673.2); c.933C>T, p.Thr311= (NM_001163811.2); c.1461C>T, p.Thr487= (NM_152348.4).
Identifiers: ClinVar variation 4684175 (VCV004684175.1).
Genomic context (GRCh38, chr17:1,733,651, plus strand): 5'-GGAGAGCATCAGCCCCAGCAGTCGCAACCCTGCCAGCGTGGAGCCCACCATGCCCGGCAC[C>T]GGGCCCGAGTGGGACCCCCATGGTGGGGGCTGCCCTCAGGATGACGGCCACTCAGGGACC-3'
Protein context (NP_001157281.1, residues 1528-1548): PASVEPTMPG[Thr1538=]GPEWDPHGGG

ClinVar aggregate classification (germline): Benign (1 of 4 stars; one submission).

gnomAD v4.1: 43,754 of 1,605,846 alleles (2.7%); highest among the groups gnomAD compares: Non-Finnish European, 3.2%; 734 homozygotes.

Submission:

Mayo Clinic Laboratories, Mayo Clinic
Classification: Benign. Last evaluated: 2023-05-01. Review status: criteria provided, single submitter. Criteria: ACMG Guidelines, 2015. Collection method: clinical testing. Allele origin: germline. Observed: 22 variant alleles.
Comment: BS1, BS2, BP4, BP7